The following is an entry in ClinVar:

NM_139276.3(STAT3):c.2195A>G (p.Asp732Gly)

Gene: STAT3 (signal transducer and activator of transcription 3; minus strand). Cytogenetic location: 17q21.2.
Variant type: single nucleotide variant.
Coding change: c.2195A>G on transcript NM_139276.3 (MANE Select); coding-DNA position 2195, A replaced by G.
Protein change: p.Asp732Gly; replaces aspartic acid 732 with glycine.
Molecular consequence: missense variant. On other transcripts: synonymous variant (7).
Genome position (GRCh38, 1-based): chr17:42,316,851, T>C on the plus strand (A>G on the coding strand, the complement: STAT3 is on the minus strand). VCF-style: chr17-42316851-T-C. GRCh37 (hg19) VCF-style: chr17-40468869-T-C.
Other names: c.2168A>G, p.Asp723Gly (NM_001384991.1); c.2135A>G, p.Asp712Gly (NM_001384992.1); c.2183A>G, p.Asp728Gly (NM_001384993.1); c.2192A>G, p.Asp731Gly (NM_003150.4, NM_001369514.1, NM_001369516.1); c.2145A>G, p.Pro715= (NM_213662.2, NM_001369517.1, NM_001369518.1); c.2195A>G, p.Asp732Gly (NM_001369512.1, NM_001369513.1); c.2142A>G, p.Pro714= (NM_001369519.1, NM_001369520.1); c.2111A>G, p.Asp704Gly (NM_001384984.1); and 6 more; short protein forms D704G, D706G, D725G, D699G, D728G, D732G, D700G, D712G.
Identifiers: ClinVar variation 4786603 (VCV004786603.1).

ClinVar aggregate classification (germline): Uncertain significance (1 of 4 stars; one submission).

Conditions:
STAT3 gain of function. Identifiers: MedGen C4288261.
Hyper-IgE recurrent infection syndrome 1, autosomal dominant. Also called: JOB SYNDROME; Job's Syndrome; STAT3 Hyper IgE Syndrome; Hyper-IgE recurrent infection syndrome 1; HYPER-IgE SYNDROME 1, AUTOSOMAL DOMINANT, WITH RECURRENT INFECTIONS. Identifiers: Orphanet 2314, MedGen C2936739, MONDO:0007818, OMIM 147060.

Submission:

Labcorp Genetics (formerly Invitae), Labcorp
Classification: Uncertain significance for STAT3 gain of function; Hyper-IgE recurrent infection syndrome 1, autosomal dominant. Last evaluated: 2025-11-04. Review status: criteria provided, single submitter. Criteria: Invitae Variant Classification Sherloc (09022015). Collection method: clinical testing. Allele origin: germline.
Comment: This sequence change replaces aspartic acid, which is acidic and polar, with glycine, which is neutral and non-polar, at codon 732 of the STAT3 protein (p.Asp732Gly). This variant is not present in population databases (gnomAD no frequency). This variant has not been reported in the literature in individuals affected with STAT3-related conditions. An algorithm developed to predict the effect of missense changes on protein structure and function (PolyPhen-2) suggests that this variant is likely to be tolerated. Algorithms developed to predict the effect of sequence changes on RNA splicing suggest that this variant may create or strengthen a splice site. In summary, the available evidence is currently insufficient to determine the role of this variant in disease. Therefore, it has been classified as a Variant of Uncertain Significance.